The following is an entry in ClinVar:

NM_182902.4(KIF9):c.78C>T (p.Tyr26=)

Gene: KIF9 (kinesin family member 9; minus strand). Cytogenetic location: 3p21.31.
Variant type: single nucleotide variant.
Coding change: c.78C>T on transcript NM_182902.4 (MANE Select); coding-DNA position 78, C replaced by T.
Protein change: p.Tyr26=; no amino-acid change (tyrosine 26 retained).
Molecular consequence: synonymous variant.
Genome position (GRCh38, 1-based): chr3:47,277,297, G>A on the plus strand (C>T on the coding strand, the complement: KIF9 is on the minus strand). VCF-style: chr3-47277297-G-A. GRCh37 (hg19) VCF-style: chr3-47318787-G-A.
Other names: c.78C>T, p.Tyr26= (NM_001134878.3, NM_001377474.1, NM_001377475.1 and 3 more transcripts); c.120C>T, p.Tyr40= (NM_001413975.1); c.177C>T, p.Tyr59= (NM_001413976.1).
Identifiers: ClinVar variation 2653753 (VCV002653753.24), dbSNP rs375774821, ClinGen allele CA2364647.

ClinVar aggregate classification (germline): Likely benign (1 of 4 stars; one submission).

Allele frequency attached by ClinVar (database versions not stated): TOPMed 0.00006; gnomAD 0.00009; gnomAD exomes 0.00012; ESP Exome Variant Server 0.00015; ExAC 0.00022.
gnomAD v4.1: 195 of 1,613,580 alleles (0.012%); highest among the groups gnomAD compares: South Asian, 0.099%; 1 homozygote.

Submission:

CeGaT Center for Human Genetics Tuebingen
Classification: Likely benign. Last evaluated: 2022-10-01. Review status: criteria provided, single submitter. Criteria: CeGaT Center For Human Genetics Tuebingen Variant Classification Criteria Version 2. Collection method: clinical testing. Allele origin: germline. Affected: yes. Observed: 1 variant allele.
Comment: KIF9: BP4, BP7